The following is an entry in ClinVar:

ClinVar aggregate classification (germline): Pathogenic. Review status: criteria provided, multiple submitters, no conflicts (2 of 4 stars). 5 submissions from 5 submitters: Pathogenic (3). 2 of the submissions do not count toward it. Last evaluated 2022-10-05.

Conditions:
Androgen resistance syndrome (AIS). Also called: Androgen insensitivity syndrome; TESTICULAR FEMINIZATION SYNDROME; Androgen insensitivity syndrome due to coactivator deficiency; Androgen insensitivity; ANDROGEN RECEPTOR DEFICIENCY; DIHYDROTESTOSTERONE RECEPTOR DEFICIENCY. Identifiers: Orphanet 754, Orphanet 99429, MedGen C0039585, MONDO:0019154, OMIM 300068. Disease mechanism: loss of function.
Kennedy disease (SMAX1). Also called: KENNEDY SPINAL AND BULBAR MUSCULAR ATROPHY; Spinal and Bulbar Muscular Atrophy; SPINAL AND BULBAR MUSCULAR ATROPHY, X-LINKED 1. Identifiers: Orphanet 481, MedGen C1839259, MONDO:0010735, OMIM 313200.

Allele frequency attached by ClinVar (database versions not stated): gnomAD exomes below 0.00001; gnomAD 0.00001; 1000 Genomes Project 30x 0.00021.
gnomAD v4.1: 2 of 1,209,466 alleles (0.00017%); highest among the groups gnomAD compares: Non-Finnish European, 0.00022%; no homozygotes.

Submissions (5):

Labcorp Genetics (formerly Invitae), Labcorp
Classification: Pathogenic for Kennedy disease; Androgen resistance syndrome. Last evaluated: 2022-10-05. Review status: criteria provided, single submitter. Criteria: Invitae Variant Classification Sherloc (09022015). Collection method: clinical testing. Allele origin: germline.
Comment: For these reasons, this variant has been classified as Pathogenic. This sequence change creates a premature translational stop signal (p.Arg608*) in the AR gene. It is expected to result in an absent or disrupted protein product. Loss-of-function variants in AR are known to be pathogenic (PMID: 19463997). This variant is not present in population databases (gnomAD no frequency). This premature translational stop signal has been observed in individual(s) with androgen insensitivity syndrome (PMID: 10425033, 31499074). This variant is also known as R607X. ClinVar contains an entry for this variant (Variation ID: 279682).

Clinical Genetics and Genomics, Karolinska University Hospital
Classification: Pathogenic. Last evaluated: 2019-05-07. Review status: criteria provided, single submitter. Criteria: ACMG Guidelines, 2015. Collection method: clinical testing. Allele origin: germline. Affected: yes. Observed: 1 variant allele.

GeneDx
Classification: Pathogenic. Last evaluated: 2018-04-06. Review status: criteria provided, single submitter. Criteria: GeneDx Variant Classification (06012015). Collection method: clinical testing. Allele origin: germline. Affected: yes.
Comment: The R608X nonsense variant in the AR gene has been reported previously as R607X using alternate nomenclature in association with androgen insensitivity syndrome (Cheikhelard et al., 2008. Brown et al., 1993). The variant was not observed in approximately 6,500 individuals of European and African American ancestry in the NHLBI Exome Sequencing Project, indicating it is not a common benign variant in these populations. This pathogenic variant is predicted to cause loss of normal protein function either through protein truncation or nonsense-mediated mRNA decay. Therefore, we consider this variant to be pathogenic.

Clinical Genetics DNA and cytogenetics Diagnostics Lab, Erasmus MC, Erasmus Medical Center
Classification: Pathogenic. Review status: no assertion criteria provided. Collection method: clinical testing. Allele origin: germline. Affected: yes. Study: VKGL Data-share Consensus. Not counted in ClinVar's aggregate classification.

Joint Genome Diagnostic Labs from Nijmegen and Maastricht, Radboudumc and MUMC+
Classification: Pathogenic. Review status: no assertion criteria provided. Collection method: clinical testing. Allele origin: germline. Affected: yes. Study: VKGL Data-share Consensus. Not counted in ClinVar's aggregate classification.

Literature cited by the submitters: PubMed 19463997 (cited by Labcorp Genetics (formerly Invitae), Labcorp); PubMed 10425033 (cited by Labcorp Genetics (formerly Invitae), Labcorp); PubMed 31499074 (cited by Labcorp Genetics (formerly Invitae), Labcorp).

NM_000044.6(AR):c.1822C>T (p.Arg608Ter)

Gene: AR (androgen receptor; plus strand). Cytogenetic location: Xq12.
Variant type: single nucleotide variant.
Coding change: c.1822C>T on transcript NM_000044.6 (MANE Select); coding-DNA position 1822, C replaced by T.
Protein change: p.Arg608Ter; replaces arginine 608 with a stop codon.
Molecular consequence: nonsense. On other transcripts: 3 prime UTR variant (1).
Genome position (GRCh38, 1-based): chrX:67,686,063, C>T. VCF-style: chrX-67686063-C-T. GRCh37 (hg19) VCF-style: chrX-66905905-C-T.
Other names: c.226C>T, p.Arg76Ter (NM_001011645.3); c.1822C>T, p.Arg608Ter (NM_001348061.1, NM_001348063.1); c.*20C>T (NM_001348064.1); short protein forms R608*, R76*.
Identifiers: ClinVar variation 279682 (VCV000279682.14), dbSNP rs886041128, ClinGen allele CA10603734.